The following is an entry in ClinVar:

NM_021729.6(VPS11):c.523C>T (p.Arg175Trp)

Gene: VPS11 (VPS11 core subunit of CORVET and HOPS complexes; plus strand). Cytogenetic location: 11q23.3.
Variant type: single nucleotide variant.
Coding change: c.523C>T on transcript NM_021729.6 (MANE Select); coding-DNA position 523, C replaced by T.
Protein change: p.Arg175Trp; replaces arginine 175 with tryptophan.
Molecular consequence: missense variant. On other transcripts: non-coding transcript variant (8).
Genome position (GRCh38, 1-based): chr11:119,070,284, C>T. VCF-style: chr11-119070284-C-T. GRCh37 (hg19) VCF-style: chr11-118940994-C-T.
Other names: c.493C>T, p.Arg165Trp (NM_001290185.2); c.535C>T, p.Arg179Trp (NM_001378218.1); c.523C>T, p.Arg175Trp (NM_001378219.1, NM_001378220.1); c.505C>T, p.Arg169Trp (NM_001378221.1); short protein forms R165W, R169W, R175W, R179W.
Identifiers: ClinVar variation 1991351 (VCV001991351.3), dbSNP rs377164897, ClinGen allele CA229628285.

ClinVar aggregate classification (germline): Uncertain significance (1 of 4 stars; one submission).

Allele frequency attached by ClinVar (database versions not stated): gnomAD exomes 0.00002; TOPMed 0.00002; gnomAD 0.00003; ESP Exome Variant Server 0.00008.
gnomAD v4.1: 28 of 1,612,894 alleles (0.0017%); highest among the groups gnomAD compares: Middle Eastern, 0.016%; no homozygotes.

Submission:

Labcorp Genetics (formerly Invitae), Labcorp
Classification: Uncertain significance. Last evaluated: 2024-01-29. Review status: criteria provided, single submitter. Criteria: Invitae Variant Classification Sherloc (09022015). Collection method: clinical testing. Allele origin: germline.
Comment: This sequence change replaces arginine, which is basic and polar, with tryptophan, which is neutral and slightly polar, at codon 175 of the VPS11 protein (p.Arg175Trp). This variant is present in population databases (rs377164897, gnomAD 0.01%). This variant has not been reported in the literature in individuals affected with VPS11-related conditions. ClinVar contains an entry for this variant (Variation ID: 1991351). Advanced modeling of protein sequence and biophysical properties (such as structural, functional, and spatial information, amino acid conservation, physicochemical variation, residue mobility, and thermodynamic stability) performed at Invitae indicates that this missense variant is expected to disrupt VPS11 protein function with a positive predictive value of 80%. In summary, the available evidence is currently insufficient to determine the role of this variant in disease. Therefore, it has been classified as a Variant of Uncertain Significance.